The following is an entry in ClinVar:

NM_000827.4(GRIA1):c.1220G>A (p.Arg407Lys)

Gene: GRIA1 (glutamate ionotropic receptor AMPA type subunit 1; plus strand). Cytogenetic location: 5q33.2.
Variant type: single nucleotide variant.
Coding change: c.1220G>A on transcript NM_000827.4 (MANE Select); coding-DNA position 1220, G replaced by A.
Protein change: p.Arg407Lys; replaces arginine 407 with lysine.
Molecular consequence: missense variant. On other transcripts: non-coding transcript variant (2).
Genome position (GRCh38, 1-based): chr5:153,698,129, G>A. VCF-style: chr5-153698129-G-A. GRCh37 (hg19) VCF-style: chr5-153077689-G-A.
Other names: c.1220G>A, p.Arg407Lys (NM_001114183.2); c.980G>A, p.Arg327Lys (NM_001258019.2); c.935G>A, p.Arg312Lys (NM_001258020.2); c.1250G>A, p.Arg417Lys (NM_001258021.2, NM_001258022.2); c.1013G>A, p.Arg338Lys (NM_001258023.1, NM_001364167.2); c.1052G>A, p.Arg351Lys (NM_001364165.2); c.1247G>A, p.Arg416Lys (NM_001364166.2); short protein forms R327K, R338K, R351K, R407K, R416K, R312K, R417K.
Identifiers: ClinVar variation 2282033 (VCV002282033.9), dbSNP rs538137047, ClinGen allele CA130031289.
Genomic context (GRCh38, chr5:153,698,129, plus strand): 5'-AGTTTGTCCCTGCAGCCACCGATGCCCAAGCTGGGGGCGATAATTCAAGTGTTCAGAACA[G>A]AACATACATCGTCACAACAATCCTAGTGAGTACTCAGTCCTTCATCAAGGTTACTTGGGA-3'
Protein context (NP_000818.2, residues 397-417): AGGDNSSVQN[Arg407Lys]TYIVTTILED

ClinVar aggregate classification (germline): Uncertain significance. Review status: criteria provided, multiple submitters, no conflicts (2 of 4 stars). 2 submissions from 2 submitters: Uncertain significance (2). Last evaluated 2025-03-01.

Conditions:
Inborn genetic diseases. Identifiers: MedGen C0950123, MeSH D030342.

Allele frequency attached by ClinVar (database versions not stated): TOPMed 0.00002.
gnomAD v4.1: 12 of 1,602,478 alleles (0.00075%); highest among the groups gnomAD compares: Non-Finnish European, 0.00094%; no homozygotes.

Submissions (2):

CeGaT Center for Human Genetics Tuebingen
Classification: Uncertain significance. Last evaluated: 2025-03-01. Review status: criteria provided, single submitter. Criteria: CeGaT Center For Human Genetics Tuebingen Variant Classification Criteria Version 2. Collection method: clinical testing. Allele origin: germline. Affected: yes. Observed: 1 variant allele.
Comment: GRIA1: PM2

Ambry Genetics
Classification: Uncertain significance for Inborn genetic diseases. Last evaluated: 2022-04-07. Review status: criteria provided, single submitter. Criteria: Ambry Variant Classification Scheme 2023. Collection method: clinical testing. Allele origin: germline.